The following is an entry in ClinVar:

NM_139076.3(ABRAXAS1):c.82G>C (p.Asp28His)

Genes: ABRAXAS1 (abraxas 1, BRCA1 A complex subunit; minus strand), LOC129992784 (ATAC-STARR-seq lymphoblastoid silent region 15542; plus strand). Cytogenetic location: 4q21.23.
Variant type: single nucleotide variant.
Coding change: c.82G>C on transcript NM_139076.3 (MANE Select); coding-DNA position 82, G replaced by C.
Protein change: p.Asp28His; replaces aspartic acid 28 with histidine.
Molecular consequence: missense variant. On other transcripts: 5 prime UTR variant (1).
Genome position (GRCh38, 1-based): chr4:83,484,991, C>G on the plus strand (G>C on the coding strand, the complement: ABRAXAS1 is on the minus strand). VCF-style: chr4-83484991-C-G. GRCh37 (hg19) VCF-style: chr4-84406144-C-G.
Other names: c.-179G>C (NM_001345962.2); short protein forms D28H.
Identifiers: ClinVar variation 632800 (VCV000632800.10), dbSNP rs1262474994, ClinGen allele CA357263880.

ClinVar aggregate classification (germline): Uncertain significance. Review status: criteria provided, multiple submitters, no conflicts (2 of 4 stars). 3 submissions from 3 submitters: Uncertain significance (3). Last evaluated 2024-02-22.

Allele frequency attached by ClinVar (database versions not stated): gnomAD exomes 0.00001 and 0.00002.
gnomAD v4.1: 5 of 1,587,794 alleles (0.00031%); highest among the groups gnomAD compares: Admixed American, 0.0086%; no homozygotes.

Submissions (3):

Labcorp Genetics (formerly Invitae), Labcorp
Classification: Uncertain significance. Last evaluated: 2024-02-22. Review status: criteria provided, single submitter. Criteria: Invitae Variant Classification Sherloc (09022015). Collection method: clinical testing. Allele origin: germline.
Comment: This sequence change replaces aspartic acid, which is acidic and polar, with histidine, which is basic and polar, at codon 28 of the ABRAXAS1 protein (p.Asp28His). This variant is present in population databases (no rsID available, gnomAD 0.01%). This variant has not been reported in the literature in individuals affected with ABRAXAS1-related conditions. ClinVar contains an entry for this variant (Variation ID: 632800). Advanced modeling of protein sequence and biophysical properties (such as structural, functional, and spatial information, amino acid conservation, physicochemical variation, residue mobility, and thermodynamic stability) performed at Invitae indicates that this missense variant is expected to disrupt ABRAXAS1 protein function with a positive predictive value of 80%. In summary, the available evidence is currently insufficient to determine the role of this variant in disease. Therefore, it has been classified as a Variant of Uncertain Significance.

Ambry Genetics
Classification: Uncertain significance. Last evaluated: 2022-02-03. Review status: criteria provided, single submitter. Criteria: Ambry Variant Classification Scheme 2023. Collection method: clinical testing. Allele origin: germline.

Women's Health and Genetics/Laboratory Corporation of America, LabCorp
Classification: Uncertain significance. Last evaluated: 2018-12-07. Review status: criteria provided, single submitter. Criteria: LabCorp Variant Classification Summary - May 2015. Collection method: clinical testing. Allele origin: germline.
Comment: Variant summary: FAM175A c.82G>C (p.Asp28His) results in a non-conservative amino acid change located in the MPN domain of the encoded protein sequence. Four of five in-silico tools predict a damaging effect of the variant on protein function. The variant allele was found at a frequency of 1.8e-05 in 223782 control chromosomes (gnomAD). The available data on variant occurrences in the general population are insufficient to allow any conclusion about variant significance. To our knowledge, no occurrence of c.82G>C in individuals affected with Hereditary Breast and Ovarian Cancer and no experimental evidence demonstrating its impact on protein function have been reported. Co-occurrences with another pathogenic variants has been reported (ATM c.901+1G>A) internally. No clinical diagnostic laboratories have submitted clinical-significance assessments for this variant to ClinVar after 2014. Based on the evidence outlined above, the variant was classified as uncertain significance.